The following is an entry in ClinVar:

ClinVar aggregate classification (germline): Uncertain significance (1 of 4 stars; one submission).

Conditions:
Compton-North congenital myopathy (CMYO12). Identifiers: Orphanet 210163, MedGen C2675527, MONDO:0012929, OMIM 612540.

Allele frequency attached by ClinVar (database versions not stated): gnomAD exomes 0.00001.
gnomAD v4.1: 8 of 1,566,728 alleles (0.00051%); highest among the groups gnomAD compares: Admixed American, 0.0017%; 1 homozygote.

Submission:

Labcorp Genetics (formerly Invitae), Labcorp
Classification: Uncertain significance for Compton-North congenital myopathy. Last evaluated: 2022-11-28. Review status: criteria provided, single submitter. Criteria: Invitae Variant Classification Sherloc (09022015). Collection method: clinical testing. Allele origin: germline.
Comment: In summary, the available evidence is currently insufficient to determine the role of this variant in disease. Therefore, it has been classified as a Variant of Uncertain Significance. This sequence change falls in intron 20 of the CNTN1 gene. It does not directly change the encoded amino acid sequence of the CNTN1 protein. It affects a nucleotide within the consensus splice site. This variant is present in population databases (no rsID available, gnomAD 0.003%). This variant has not been reported in the literature in individuals affected with CNTN1-related conditions. Variants that disrupt the consensus splice site are a relatively common cause of aberrant splicing (PMID: 17576681, 9536098). Algorithms developed to predict the effect of sequence changes on RNA splicing suggest that this variant may disrupt the consensus splice site.

Literature cited by the submitters: PubMed 17576681; PubMed 9536098.

NM_001843.4(CNTN1):c.2523+5G>A

Gene: CNTN1 (contactin 1; plus strand). Cytogenetic location: 12q12.
Variant type: single nucleotide variant.
Coding change: c.2523+5G>A on transcript NM_001843.4 (MANE Select); 5 bases into the intron after coding-DNA position 2523, G replaced by A.
Molecular consequence: intron variant.
Genome position (GRCh38, 1-based): chr12:41,020,445, G>A. VCF-style: chr12-41020445-G-A. GRCh37 (hg19) VCF-style: chr12-41414247-G-A.
Other names: c.2490+5G>A (NM_175038.2).
Identifiers: ClinVar variation 2191498 (VCV002191498.4), dbSNP rs1424541542, ClinGen allele CA604652497.